The following is an entry in ClinVar:

NM_201384.3(PLEC):c.4442G>A (p.Arg1481Gln)

Gene: PLEC (plectin; minus strand). Cytogenetic location: 8q24.3.
Variant type: single nucleotide variant.
Coding change: c.4442G>A on transcript NM_201384.3 (MANE Select); coding-DNA position 4442, G replaced by A.
Protein change: p.Arg1481Gln; replaces arginine 1481 with glutamine.
Molecular consequence: missense variant.
Genome position (GRCh38, 1-based): chr8:143,925,487, C>T on the plus strand (G>A on the coding strand, the complement: PLEC is on the minus strand). VCF-style: chr8-143925487-C-T. GRCh37 (hg19) VCF-style: chr8-144999655-C-T.
Other names: c.4523G>A, p.Arg1508Gln (NM_000445.5); c.4400G>A, p.Arg1467Gln (NM_201378.4); c.4376G>A, p.Arg1459Gln (NM_201379.3); c.4853G>A, p.Arg1618Gln (NM_201380.4); c.4346G>A, p.Arg1449Gln (NM_201381.3); c.4442G>A, p.Arg1481Gln (NM_201382.4); c.4454G>A, p.Arg1485Gln (NM_201383.3); c.4523G>A (NM_000445.3); short protein forms R1449Q, R1508Q, R1618Q, R1459Q, R1467Q, R1481Q, R1485Q.
Identifiers: ClinVar variation 834666 (VCV000834666.31), dbSNP rs782080543, ClinGen allele CA4926657.
Genomic context (GRCh38, chr8:143,925,487, plus strand): 5'-CTCCGCAAGCGCTCGGCCTCCTCCTGCGCCTGTCGCTTTTGTGCCTCAGCCTCCTCCGCC[C>T]GTGCACGCAGTGCCTGCAGCTCCCCCTCAGCCCCGCCACGCTGGCGCTCGGTGGCCTCCA-3'
Protein context (NP_958786.1, residues 1471-1491): AEGELQALRA[Arg1481Gln]AEEAEAQKRQ

ClinVar aggregate classification (germline): Uncertain significance. Review status: criteria provided, multiple submitters, no conflicts (2 of 4 stars). 4 submissions from 4 submitters: Uncertain significance (4). Last evaluated 2025-03-06.

Conditions:
Epidermolysis bullosa simplex, Ogna type (EBS5A). Also called: Pidermolysis bullosa simplex 5A, Ogna type; EPIDERMOLYSIS BULLOSA SIMPLEX 5A, OGNA TYPE. Identifiers: Orphanet 79401, MedGen C0432317, MONDO:0007555, OMIM 131950.
Epidermolysis bullosa simplex 5C, with pyloric atresia (EBS5C). Also called: PLEC1-Related Epidermolysis Bullosa with Pyloric Atresia; PLEC-Related Epidermolysis Bullosa with Pyloric Atresia; Epidermolysis bullosa simplex with pyloric atresia. Identifiers: Orphanet 158684, MedGen C2677349, MONDO:0012807, OMIM 612138.
Autosomal recessive limb-girdle muscular dystrophy type 2Q (LGMDR17). Also called: MUSCULAR DYSTROPHY, LIMB-GIRDLE, AUTOSOMAL RECESSIVE 17. Identifiers: Orphanet 254361, MedGen C3150989, MONDO:0013390, OMIM 613723.
Epidermolysis bullosa simplex with nail dystrophy (EBS5D). Identifiers: MedGen C4225309, MONDO:0014661, OMIM 616487.
Epidermolysis bullosa simplex 5B, with muscular dystrophy (EBS5B). Also called: Epidermolysis bullosa simplex with muscular dystrophy; EPIDERMOLYSIS BULLOSA SIMPLEX AND LIMB-GIRDLE MUSCULAR DYSTROPHY. Identifiers: Orphanet 257, MedGen C2931072, MONDO:0009181, OMIM 226670.
Inborn genetic diseases. Identifiers: MedGen C0950123, MeSH D030342.

Allele frequency attached by ClinVar (database versions not stated): gnomAD 0.00002; gnomAD exomes 0.00002 and 0.00003; ExAC 0.00003.
gnomAD v4.1: 45 of 1,596,146 alleles (0.0028%); highest among the groups gnomAD compares: East Asian, 0.04%; no homozygotes.

Submissions (4):

Ambry Genetics
Classification: Uncertain significance for Inborn genetic diseases. Last evaluated: 2025-03-06. Review status: criteria provided, single submitter. Criteria: Ambry Variant Classification Scheme 2023. Collection method: clinical testing. Allele origin: germline.

Women's Health and Genetics/Laboratory Corporation of America, LabCorp
Classification: Uncertain significance. Last evaluated: 2025-02-06. Review status: criteria provided, single submitter. Criteria: LabCorp Variant Classification Summary - May 2015. Collection method: clinical testing. Allele origin: germline.
Comment: Variant summary: PLEC c.4523G>A (p.Arg1508Gln) results in a conservative amino acid change in the encoded protein sequence. Four of five in-silico tools predict a benign effect of the variant on protein function. The variant allele was found at a frequency of 1.8e-05 in 220410 control chromosomes. The available data on variant occurrences in the general population are insufficient to allow any conclusion about variant significance. To our knowledge, no occurrence of c.4523G>A in individuals affected with Epidermolysis bullosa simplex 5C, with pyloric atresia and no experimental evidence demonstrating its impact on protein function have been reported. ClinVar contains an entry for this variant (Variation ID: 834666). Based on the evidence outlined above, the variant was classified as uncertain significance.

Labcorp Genetics (formerly Invitae), Labcorp
Classification: Uncertain significance for Autosomal recessive limb-girdle muscular dystrophy type 2Q; Epidermolysis bullosa simplex, Ogna type; Epidermolysis bullosa simplex with nail dystrophy; Epidermolysis bullosa simplex 5C, with pyloric atresia; Epidermolysis bullosa simplex 5B, with muscular dystrophy. Last evaluated: 2024-06-29. Review status: criteria provided, single submitter. Criteria: Invitae Variant Classification Sherloc (09022015). Collection method: clinical testing. Allele origin: germline.
Comment: This sequence change replaces arginine, which is basic and polar, with glutamine, which is neutral and polar, at codon 1508 of the PLEC protein (p.Arg1508Gln). The frequency data for this variant in the population databases is considered unreliable, as metrics indicate poor data quality at this position in the gnomAD database. This variant has not been reported in the literature in individuals affected with PLEC-related conditions. ClinVar contains an entry for this variant (Variation ID: 834666). Advanced modeling of protein sequence and biophysical properties (such as structural, functional, and spatial information, amino acid conservation, physicochemical variation, residue mobility, and thermodynamic stability) performed at Invitae indicates that this missense variant is not expected to disrupt PLEC protein function with a negative predictive value of 80%. In summary, the available evidence is currently insufficient to determine the role of this variant in disease. Therefore, it has been classified as a Variant of Uncertain Significance.

CeGaT Center for Human Genetics Tuebingen
Classification: Uncertain significance. Last evaluated: 2023-12-01. Review status: criteria provided, single submitter. Criteria: CeGaT Center For Human Genetics Tuebingen Variant Classification Criteria Version 2. Collection method: clinical testing. Allele origin: germline. Affected: yes. Observed: 1 variant allele.
Comment: PLEC: PM2